The following is an entry in ClinVar:

NM_017777.4(MKS1):c.417G>A (p.Glu139=)

Gene: MKS1 (MKS transition zone complex subunit 1; minus strand). Cytogenetic location: 17q22.
Variant type: single nucleotide variant.
Coding change: c.417G>A on transcript NM_017777.4 (MANE Select); coding-DNA position 417, G replaced by A.
Protein change: p.Glu139=; no amino-acid change (glutamic acid 139 retained).
Molecular consequence: synonymous variant. On other transcripts: 5 prime UTR variant (1).
Genome position (GRCh38, 1-based): chr17:58,216,088, C>T on the plus strand (G>A on the coding strand, the complement: MKS1 is on the minus strand). VCF-style: chr17-58216088-C-T. GRCh37 (hg19) VCF-style: chr17-56293449-C-T.
Other names: 417G-A; c.-95G>A (NM_001321268.2); c.417G>A, p.Glu139= (NM_001321269.2, NM_001330397.2).
Identifiers: ClinVar variation 1392 (VCV000001392.44), dbSNP rs386834048, ClinGen allele CA213122.

ClinVar aggregate classification (germline): Conflicting classifications of pathogenicity. Review status: criteria provided, conflicting classifications (1 of 4 stars). 22 submissions from 22 submitters: Pathogenic (8); Likely pathogenic (4); Uncertain significance (1). 9 of the submissions do not count toward it. Last evaluated 2026-01-21.

Conditions:
Joubert syndrome 28 (JBTS28). Identifiers: MedGen C4310705, MONDO:0014928, OMIM 617121.
Meckel syndrome, type 1 (MKS1). Also called: MECKEL-GRUBER SYNDROME, TYPE 1. Identifiers: Orphanet 564, MedGen C3714506, MONDO:0009571, OMIM 249000.
Bardet-Biedl syndrome 13 (BBS13). Identifiers: Orphanet 110, MedGen C2673873, MONDO:0014441, OMIM 615990.
MKS1-related disorder. Also called: MKS1-related disorders; MKS1-related condition. Identifiers: MedGen CN239382.
Inborn genetic diseases. Identifiers: MedGen C0950123, MeSH D030342.
Joubert syndrome. Also called: JOUBERT-BOLTSHAUSER SYNDROME; Familial aplasia of the vermis. Identifiers: Orphanet 475, MedGen C5979921, MONDO:0018772.
Meckel-Gruber syndrome. Also called: DYSENCEPHALIA SPLANCHNOCYSTICA; GRUBER SYNDROME; Dysencephalia splachnocystica. Identifiers: Orphanet 564, MedGen C0265215, MONDO:0018921.

Allele frequency attached by ClinVar (database versions not stated): TOPMed 0.00009; gnomAD 0.00013 and 0.00014; gnomAD exomes 0.00013; ESP Exome Variant Server 0.00017; ExAC 0.00019.
gnomAD v4.1: 245 of 1,614,030 alleles (0.015%); highest among the groups gnomAD compares: Non-Finnish European, 0.018%; no homozygotes.

Submissions 1 to 10 of 24:

Labcorp Genetics (formerly Invitae), Labcorp
Classification: Pathogenic for Joubert syndrome; Meckel-Gruber syndrome. Last evaluated: 2026-01-21. Review status: criteria provided, single submitter. Criteria: Invitae Variant Classification Sherloc (09022015). Collection method: clinical testing. Allele origin: germline.
Comment: This sequence change affects codon 139 of the MKS1 mRNA. It is a 'silent' change, meaning that it does not change the encoded amino acid sequence of the MKS1 protein. RNA analysis indicates that this variant induces altered splicing and likely results in a shortened protein product. This variant is present in population databases (rs386834048, gnomAD 0.04%). This variant has been observed in individual(s) with Meckel syndrome or Joubert syndrome (PMID: 17377820, 17397051, 17437276, 26092869, 26490104, 28497568). In at least one individual the data is consistent with being in trans (on the opposite chromosome) from a pathogenic variant. It has also been observed to segregate with disease in related individuals. ClinVar contains an entry for this variant (Variation ID: 1392). Variants that disrupt the consensus splice site are a relatively common cause of aberrant splicing (PMID: 17576681, 9536098). Studies have shown that this variant results in skipping of exon 4, but is expected to preserve the integrity of the reading-frame (PMID: 17377820). For these reasons, this variant has been classified as Pathogenic.

Natera, Inc.
Classification: Pathogenic for Meckel syndrome type 1. Last evaluated: 2025-06-25. Review status: criteria provided, single submitter. Criteria: Natera Variant Classification Schema (03/2026). Collection method: clinical testing. Allele origin: germline.
Comment: The c.417G>A variant in MKS1 is a synonymous variant that does not alter the encoded amino acid at position 139 (p.E139=). This variant is rare in the general population with a frequency below the threshold expected for the associated phenotype(s). This variant has been observed in one or more individuals affected with the associated recessive disease, as either homozygous or compound heterozygous with a second variant (PMID: 17377820). Additionally, this variant has been observed to segregate in affected family members (PMID: 17377820). Functional studies show that this variant may disrupt protein function (PMID: 17377820). Computational prediction algorithms indicate this variant is likely to affect gene or protein function. Given the available evidence, this variant is classified as Pathogenic.

Dasa
Classification: Pathogenic. Last evaluated: 2025-06-13. Review status: criteria provided, single submitter. Criteria: DASA Assertion Criteria. Collection method: clinical testing. Allele origin: germline.
Comment: NM_017777.4(MKS1):c.417G>A (p.Glu139=) is a sequence variant. This variant has been observed in affected individuals with related phenotype in a genotype context consistent with recessive disease (PMID: 17377820; PMID: 17397051; PMID: 2609286; PMID: 17437276; PMID: 26092869). Functional evidence supports a deleterious effect on the gene or gene product (PMID: 17377820; PMID: 17397051; PMID: 2609286; PMID: 17437276; PMID: 26092869). This variant has been recurrently observed in individuals with related phenotype (PMID: 17377820; PMID: 17397051; PMID: 2609286; PMID: 17437276; PMID: 26092869). Segregation evidence has been reported in affected families. Multiple computational predictions support a deleterious effect on the gene or gene product. The variant is present at low frequency in population datasets. Based on the available data, this variant is classified as pathogenic.

Blueprint Genetics
Classification: Pathogenic for MKS1-related disorders. Last evaluated: 2024-09-07. Review status: criteria provided, single submitter. Criteria: ACMG Guidelines, 2015. Collection method: clinical testing. Allele origin: germline. Affected: yes. Observed: 5 variant alleles.

Fulgent Genetics
Classification: Pathogenic for Meckel syndrome, type 1; Bardet-Biedl syndrome 13; Joubert syndrome 28. Last evaluated: 2024-05-19. Review status: criteria provided, single submitter. Criteria: ACMG Guidelines, 2015. Collection method: clinical testing. Allele origin: germline.

Baylor Genetics
Classification: Pathogenic for Bardet-Biedl syndrome 13. Last evaluated: 2024-03-23. Review status: criteria provided, single submitter. Criteria: ACMG Guidelines, 2015. Collection method: clinical testing. Allele origin: unknown.

Women's Health and Genetics/Laboratory Corporation of America, LabCorp
Classification: Pathogenic for Meckel syndrome, type 1. Last evaluated: 2023-05-01. Review status: criteria provided, single submitter. Criteria: LabCorp Variant Classification Summary - May 2015. Collection method: clinical testing. Allele origin: germline.
Comment: Variant summary: MKS1 c.417G>A (p.Glu139Glu) alters a conserved nucleotide located close to a canonical splice site and therefore could affect mRNA splicing, leading to a significantly altered protein sequence. Several computational tools predict a significant impact on normal splicing: Two predict the variant abolishes the canonical 5' splicing donor site. At least one publication reports experimental evidence that this variant indeed affects mRNA splicing, leading to the skipping of exon 4 which results in an in-frame deletion (p.Phe88_Glu139del) (Consugar_2007). The variant allele was found at a frequency of 0.00013 in 249574 control chromosomes (gnomAD). This frequency is not significantly higher than estimated for a pathogenic variant in MKS1 causing Meckel Syndrome Type 1 (0.00013 vs 0.0011), allowing no conclusion about variant significance. c.417G>A has been reported in the literature as a biallelic genotype in multiple individuals affected with Meckel Syndrome Type 1, including one homozygote and at least three cases where it was found in trans with a pathogenic variant (e.g. Frank_2007, Consugar_2007, Khaddour_2007, Meier_2019). The variant has also been reported in at least one individual affected with Joubert syndrome (e.g. Bachmann-Gagescu_2015). These data indicate that the variant is very likely to be associated with disease. The following publications have been ascertained in the context of this evaluation (PMID: 26092869, 17377820, 17437276, 17397051, 30679815, 26490104, 28497568, 19466712). Eight submitters have provided clinical-significance assessments for this variant to ClinVar after 2014 and classified the variant as either pathogenic (n=2)/likely pathogenic (n=4) or VUS (n=2). Based on the evidence outlined above, the variant was classified as pathogenic.

Revvity Omics, Revvity
Classification: Likely pathogenic. Last evaluated: 2022-09-20. Review status: criteria provided, single submitter. Criteria: ACMG Guidelines, 2015. Collection method: clinical testing. Allele origin: germline.

Ambry Genetics
Classification: Likely pathogenic for Inborn genetic diseases. Last evaluated: 2021-10-09. Review status: criteria provided, single submitter. Criteria: Ambry Variant Classification Scheme 2023. Collection method: clinical testing. Allele origin: germline.
Comment: The c.417G>A (p.E139E) alteration is located in coding exon 4 of the MKS1 gene. This alteration consists of a G to A substitution at nucleotide position 417. This nucleotide substitution does not change the glutamic acid at codon 139. However, this change occurs in the last base pair of coding exon 4, which makes it likely to have some effect on normal mRNA splicing. This variant has been identified in individuals with Meckel syndrome as well as Joubert syndrome in conjunction with a second MKS1 variant (Frank, 2007; Khaddour, 2007; Consugar, 2007; Bachmann-Gagescu, 2015; Summers, 2017). RT-PCR of fibroblasts from an individual with Meckel syndrome and this variant demonstrated exon skipping (Consugar, 2007). In silico splice site analysis predicts that this alteration may weaken the native splice donor site. Based on the available evidence, this alteration is classified as likely pathogenic.

Illumina Laboratory Services, Illumina
Classification: Likely pathogenic for Meckel syndrome, type 1. Last evaluated: 2018-10-11. Review status: criteria provided, single submitter. Criteria: ICSL Variant Classification Criteria 09 May 2019. Collection method: clinical testing. Allele origin: germline.
Comment: The MKS1 c.417G>A (p.Glu139Glu) variant has been reported in three studies in probands with Meckel syndrome (MKS) in which it is found in a total of four individuals, all in a compound heterozygous state with a second pathogenic variant (Consugar et al. 2007; Khaddour et al. 2007; Frank et al. 2007). The p.Glu139Glu variant was absent from 410 control chromosomes but is reported at a frequency of 0.000394 in the Ashkenazi Jewish population of the Genome Aggregation Database. The p.Glu139Glu variant is a synonymous variant that affects the last nucleotide of exon four and is predicted to destroy the splice donor site. RT-PCR and sequence analysis of proband fibroblasts showed a smaller abnormal band which when sequenced, confirmed that the variant results in skipping of exon 4 (Consugar et al. 2007). Aberrant splicing is a known mechanism in MKS. Based on the evidence, the p.Glu139Glu variant is classified as likely pathogenic for Meckel syndrome. This variant was observed by ICSL as part of a predisposition screen in an ostensibly healthy population.